The following is an entry in ClinVar:

NM_016562.4(TLR7):c.-8G>A

Gene: TLR7 (toll like receptor 7; plus strand). Cytogenetic location: Xp22.2.
Variant type: single nucleotide variant.
Coding change: c.-8G>A on transcript NM_016562.4 (MANE Select); 8 bases upstream of the start codon, G replaced by A.
Molecular consequence: 5 prime UTR variant.
Genome position (GRCh38, 1-based): chrX:12,867,571, G>A. VCF-style: chrX-12867571-G-A. GRCh37 (hg19) VCF-style: chrX-12885690-G-A.
Identifiers: ClinVar variation 4684504 (VCV004684504.1).

ClinVar aggregate classification (germline): Likely benign (1 of 4 stars; one submission).

gnomAD v4.1: 464 of 1,206,940 alleles (0.038%); highest among the groups gnomAD compares: Non-Finnish European, 0.049%; no homozygotes.

Submission:

Mayo Clinic Laboratories, Mayo Clinic
Classification: Likely benign. Last evaluated: 2025-11-06. Review status: criteria provided, single submitter. Criteria: ACMG Guidelines, 2015. Collection method: clinical testing. Allele origin: germline. Observed: 2 variant alleles.
Comment: BS2, BP4